The following is an entry in ClinVar:

NM_201384.3(PLEC):c.4223C>T (p.Ala1408Val)

Gene: PLEC (plectin; minus strand). Cytogenetic location: 8q24.3.
Variant type: single nucleotide variant.
Coding change: c.4223C>T on transcript NM_201384.3 (MANE Select); coding-DNA position 4223, C replaced by T.
Protein change: p.Ala1408Val; replaces alanine 1408 with valine.
Molecular consequence: missense variant.
Genome position (GRCh38, 1-based): chr8:143,925,706, G>A on the plus strand (C>T on the coding strand, the complement: PLEC is on the minus strand). VCF-style: chr8-143925706-G-A. GRCh37 (hg19) VCF-style: chr8-144999874-G-A.
Other names: c.4304C>T, p.Ala1435Val (NM_000445.5); c.4181C>T, p.Ala1394Val (NM_201378.4); c.4157C>T, p.Ala1386Val (NM_201379.3); c.4634C>T, p.Ala1545Val (NM_201380.4); c.4127C>T, p.Ala1376Val (NM_201381.3); c.4223C>T, p.Ala1408Val (NM_201382.4); c.4235C>T, p.Ala1412Val (NM_201383.3); short protein forms A1376V, A1386V, A1394V, A1408V, A1412V, A1435V, A1545V.
Identifiers: ClinVar variation 129948 (VCV000129948.30), dbSNP rs111851716, ClinGen allele CA154546.

ClinVar aggregate classification (germline): Benign/Likely benign. Review status: criteria provided, multiple submitters, no conflicts (2 of 4 stars). 9 submissions from 9 submitters: Benign (6); Likely benign (1). 2 of the submissions do not count toward it. Last evaluated 2026-02-01.

Conditions:
PLEC-related disorder. Also called: PLEC-related condition; PLEC-related disorders.
Epidermolysis bullosa simplex 5B, with muscular dystrophy (EBS5B). Also called: EPIDERMOLYSIS BULLOSA SIMPLEX AND LIMB-GIRDLE MUSCULAR DYSTROPHY; Epidermolysis bullosa simplex with muscular dystrophy. Identifiers: Orphanet 257, MedGen C2931072, MONDO:0009181, OMIM 226670.
Epidermolysis bullosa simplex 5C, with pyloric atresia (EBS5C). Also called: PLEC1-Related Epidermolysis Bullosa with Pyloric Atresia; PLEC-Related Epidermolysis Bullosa with Pyloric Atresia; Epidermolysis bullosa simplex with pyloric atresia. Identifiers: Orphanet 158684, MedGen C2677349, MONDO:0012807, OMIM 612138.
Autosomal recessive limb-girdle muscular dystrophy type 2Q (LGMDR17). Also called: MUSCULAR DYSTROPHY, LIMB-GIRDLE, AUTOSOMAL RECESSIVE 17. Identifiers: Orphanet 254361, MedGen C3150989, MONDO:0013390, OMIM 613723.
Epidermolysis bullosa simplex, Ogna type (EBS5A). Also called: Pidermolysis bullosa simplex 5A, Ogna type; EPIDERMOLYSIS BULLOSA SIMPLEX 5A, OGNA TYPE. Identifiers: Orphanet 79401, MedGen C0432317, MONDO:0007555, OMIM 131950.
Epidermolysis bullosa simplex with nail dystrophy (EBS5D). Identifiers: MedGen C4225309, MONDO:0014661, OMIM 616487.

Allele frequency attached by ClinVar (database versions not stated): gnomAD exomes 0.00140; ExAC 0.00211; gnomAD 0.00607 and 0.00648; TOPMed 0.00620; 1000 Genomes Project 0.00899; 1000 Genomes Project 30x 0.00968.
gnomAD v4.1: 1,801 of 1,591,140 alleles (0.11%); highest among the groups gnomAD compares: African/African-American, 2.2%; 19 homozygotes.

Submissions (9):

Labcorp Genetics (formerly Invitae), Labcorp
Classification: Benign for Autosomal recessive limb-girdle muscular dystrophy type 2Q; Epidermolysis bullosa simplex, Ogna type; Epidermolysis bullosa simplex with nail dystrophy; Epidermolysis bullosa simplex 5C, with pyloric atresia; Epidermolysis bullosa simplex 5B, with muscular dystrophy. Last evaluated: 2026-02-01. Review status: criteria provided, single submitter. Criteria: Invitae Variant Classification Sherloc (09022015). Collection method: clinical testing. Allele origin: germline.

Genomic Medicine Center of Excellence, King Faisal Specialist Hospital and Research Centre
Classification: Likely benign. Last evaluated: 2025-08-18. Review status: criteria provided, single submitter. Criteria: ACMG Guidelines, 2015. Collection method: clinical testing. Allele origin: germline.

Mayo Clinic Laboratories, Mayo Clinic
Classification: Benign. Last evaluated: 2025-03-28. Review status: criteria provided, single submitter. Criteria: ACMG Guidelines, 2015. Collection method: clinical testing. Allele origin: germline. Observed: 1 variant allele.
Comment: BA1, BP4_moderate

GeneDx
Classification: Benign. Last evaluated: 2018-07-31. Review status: criteria provided, single submitter. Criteria: GeneDx Variant Classification Process June 2021. Collection method: clinical testing. Allele origin: germline. Affected: yes.

Athena Diagnostics
Classification: Benign. Last evaluated: 2017-02-13. Review status: criteria provided, single submitter. Criteria: Athena Diagnostics Criteria. Collection method: clinical testing. Allele origin: germline.

Eurofins Ntd Llc (ga)
Classification: Benign. Last evaluated: 2015-08-04. Review status: criteria provided, single submitter. Criteria: EGL Classification Definitions 2015. Collection method: clinical testing. Allele origin: germline. Observed: 1 variant allele, 1 heterozygote.

Breakthrough Genomics
Classification: Benign. Review status: criteria provided, single submitter. Criteria: ACMG Guidelines, 2015. Collection method: not provided. Allele origin: germline. Inheritance: Autosomal recessive inheritance. Affected: yes.

PreventionGenetics, part of Exact Sciences
Classification: Benign for PLEC-related condition. Last evaluated: 2021-04-14. Review status: no assertion criteria provided. Collection method: clinical testing. Allele origin: germline. Not counted in ClinVar's aggregate classification.
Comment: This variant is classified as benign based on ACMG/AMP sequence variant interpretation guidelines (Richards et al. 2015 PMID: 25741868, with internal and published modifications).

Genetic Services Laboratory, University of Chicago
Classification: Likely benign for AllHighlyPenetrant. Review status: no assertion criteria provided. Collection method: clinical testing. Allele origin: germline. Inheritance: Autosomal recessive inheritance. Not counted in ClinVar's aggregate classification.
Comment: Likely benign based on allele frequency in 1000 Genomes Project or ESP global frequency and its presence in a patient with a rare or unrelated disease phenotype. NOT Sanger confirmed.